The following is an entry in ClinVar:

NM_007294.4(BRCA1):c.4269C>T (p.Ser1423=)

Gene: BRCA1 (BRCA1 DNA repair associated; minus strand). Cytogenetic location: 17q21.31.
Variant type: single nucleotide variant.
Coding change: c.4269C>T on transcript NM_007294.4 (MANE Select); coding-DNA position 4269, C replaced by T.
Protein change: p.Ser1423=; no amino-acid change (serine 1423 retained).
Molecular consequence: synonymous variant.
Genome position (GRCh38, 1-based): chr17:43,082,492, G>A on the plus strand (C>T on the coding strand, the complement: BRCA1 is on the minus strand). VCF-style: chr17-43082492-G-A. GRCh37 (hg19) VCF-style: chr17-41234509-G-A.
Other names: c.816C>T, p.Ser272= (NM_001408468.1, NM_001408469.1, NM_001408462.1 and 5 more transcripts); c.813C>T, p.Ser271= (NM_001408470.1); c.957C>T, p.Ser319= (NM_001408472.1, NM_001408473.1, NM_001407972.1 and 18 more transcripts); c.759C>T, p.Ser253= (NM_001408474.1, NM_001408476.1); c.756C>T, p.Ser252= (NM_001408475.1); c.750C>T, p.Ser250= (NM_001408478.1, NM_001408479.1, NM_001408480.1 and 6 more transcripts); c.747C>T, p.Ser249= (NM_001408489.1, NM_001408490.1, NM_001408491.1 and 3 more transcripts); c.720C>T, p.Ser240= (NM_001408494.1); and 51 more.
Identifiers: ClinVar variation 185565 (VCV000185565.23), dbSNP rs786202278, ClinGen allele CA002742.
Genomic context (GRCh38, chr17:43,082,492, plus strand): 5'-TCGCAGGTCCTCAAGGGCAGAAGAGTCACTTATGATGGAAGGGTAGCTGTTAGAAGGCTG[G>A]CTCCCATGCTGTTCTAACACAGCTTCTAGTTCAGCCATTTCCTGCTGGAGCTTTATCAGG-3'
Protein context (NP_009225.1, residues 1413-1433): ELEAVLEQHG[Ser1423=]QPSNSYPSII

ClinVar aggregate classification (germline): Likely benign. Review status: reviewed by expert panel (3 of 4 stars). 6 submissions from 6 submitters: Likely benign (1). 5 of the submissions do not count toward it. Last evaluated 2017-06-29.

Conditions:
Hereditary breast ovarian cancer syndrome. Also called: Hereditary breast and ovarian cancer syndrome; Hereditary breast and ovarian cancer syndrome (HBOC); BRCA1- and BRCA2-Associated Hereditary Breast and Ovarian Cancer; Breast and ovarian cancer; Hereditary breast and ovarian cancer; Hereditary breast and/or ovarian cancer syndrome. Identifiers: Orphanet 145, MedGen C0677776, MeSH D061325, MONDO:0003582. Disease mechanism: loss of function.
Hereditary cancer-predisposing syndrome. Also called: Hereditary Cancer Syndrome; Hereditary neoplastic syndrome; Tumor predisposition; Neoplastic Syndromes, Hereditary. Identifiers: Orphanet 140162, MedGen C0027672, MeSH D009386, MONDO:0015356.
Breast-ovarian cancer, familial, susceptibility to, 1 (BROVCA1). Also called: OVARIAN CANCER, SUSCEPTIBILITY TO; BRCA1 Hereditary Breast and Ovarian Cancer. Identifiers: Orphanet 145, MedGen C2676676, MONDO:0011450, OMIM 604370. Disease mechanism: loss of function.

Allele frequency attached by ClinVar (database versions not stated): TOPMed 0.00001.

Submissions (6):

Evidence-based Network for the Interpretation of Germline Mutant Alleles (ENIGMA)
Classification: Likely benign for Breast-ovarian cancer, familial, susceptibility to, 1. Last evaluated: 2017-06-29. Review status: reviewed by expert panel. Criteria: ENIGMA BRCA1/2 Classification Criteria (2017-06-29). Collection method: curation. Allele origin: germline.
Comment: Synonymous substitution variant, with low bioinformatic likelihood to result in a splicing aberration (Splicing prior probability 0.02).

Labcorp Genetics (formerly Invitae), Labcorp
Classification: Likely benign for Hereditary breast ovarian cancer syndrome. Last evaluated: 2025-12-20. Review status: criteria provided, single submitter. Criteria: Invitae Variant Classification Sherloc (09022015). Collection method: clinical testing. Allele origin: germline. Not counted in ClinVar's aggregate classification.

Women's Health and Genetics/Laboratory Corporation of America, LabCorp
Classification: Likely benign. Last evaluated: 2019-08-21. Review status: criteria provided, single submitter. Criteria: LabCorp Variant Classification Summary - May 2015. Collection method: clinical testing. Allele origin: germline. Not counted in ClinVar's aggregate classification.

GeneDx
Classification: Likely benign. Last evaluated: 2016-11-29. Review status: criteria provided, single submitter. Criteria: GeneDx Variant Classification (06012015). Collection method: clinical testing. Allele origin: germline. Affected: yes. Not counted in ClinVar's aggregate classification.
Comment: This variant is considered likely benign or benign based on one or more of the following criteria: it is a conservative change, it occurs at a poorly conserved position in the protein, it is predicted to be benign by multiple in silico algorithms, and/or has population frequency not consistent with disease.

Color Diagnostics, LLC DBA Color Health
Classification: Likely benign for Hereditary cancer-predisposing syndrome. Last evaluated: 2015-12-08. Review status: criteria provided, single submitter. Criteria: ACMG Guidelines, 2015. Collection method: clinical testing. Allele origin: germline. Not counted in ClinVar's aggregate classification.

Ambry Genetics
Classification: Likely benign for Hereditary cancer-predisposing syndrome. Last evaluated: 2014-12-24. Review status: criteria provided, single submitter. Criteria: Ambry Variant Classification Scheme 2023. Collection method: clinical testing. Allele origin: germline. Not counted in ClinVar's aggregate classification.